The following is an entry in ClinVar:

ClinVar aggregate classification (germline): Benign/Likely benign. Review status: criteria provided, multiple submitters, no conflicts (2 of 4 stars). 3 submissions from 3 submitters: Benign (1); Likely benign (2). Last evaluated 2026-09-01.

Conditions:
Congenital muscular dystrophy due to integrin alpha-7 deficiency. Also called: MYOPATHY, CONGENITAL, DUE TO INTEGRIN ALPHA-7 DEFICIENCY; Congenital muscular dystrophy with integrin alpha-7 deficiency; Muscular dystrophy, congenital, due to ITGA7 deficiency. Identifiers: Orphanet 34520, MedGen C2750786, MONDO:0013177, OMIM 613204.

Allele frequency attached by ClinVar (database versions not stated): gnomAD 0.00006 and 0.00025; TOPMed 0.00014; ESP Exome Variant Server 0.00031; gnomAD exomes 0.00031 and 0.00049; ExAC 0.00072.
gnomAD v4.1: 506 of 1,611,808 alleles (0.031%); highest among the groups gnomAD compares: South Asian, 0.4%; 6 homozygotes.

Submissions (3):

CeGaT Center for Human Genetics Tuebingen
Classification: Likely benign. Last evaluated: 2026-09-01. Review status: criteria provided, single submitter. Criteria: CeGaT Center For Human Genetics Tuebingen Variant Classification Criteria Version 2. Collection method: clinical testing. Allele origin: germline. Affected: yes. Observed: 4 variant alleles.
Comment: ITGA7: BP4, BP7

Labcorp Genetics (formerly Invitae), Labcorp
Classification: Benign for Congenital muscular dystrophy due to integrin alpha-7 deficiency. Last evaluated: 2025-10-24. Review status: criteria provided, single submitter. Criteria: Invitae Variant Classification Sherloc (09022015). Collection method: clinical testing. Allele origin: germline.

GeneDx
Classification: Likely benign. Last evaluated: 2017-12-22. Review status: criteria provided, single submitter. Criteria: GeneDx Variant Classification (06012015). Collection method: clinical testing. Allele origin: germline. Affected: yes.
Comment: This variant is considered likely benign or benign based on one or more of the following criteria: it is a conservative change, it occurs at a poorly conserved position in the protein, it is predicted to be benign by multiple in silico algorithms, and/or has population frequency not consistent with disease.

NM_002206.3(ITGA7):c.69C>T (p.Leu23=)

Gene: ITGA7 (integrin subunit alpha 7; minus strand). Cytogenetic location: 12q13.2.
Variant type: single nucleotide variant.
Coding change: c.69C>T on transcript NM_002206.3 (MANE Select); coding-DNA position 69, C replaced by T.
Protein change: p.Leu23=; no amino-acid change (leucine 23 retained).
Molecular consequence: synonymous variant. On other transcripts: 5 prime UTR variant (1), intron variant (3).
Genome position (GRCh38, 1-based): chr12:55,707,614, G>A on the plus strand (C>T on the coding strand, the complement: ITGA7 is on the minus strand). VCF-style: chr12-55707614-G-A. GRCh37 (hg19) VCF-style: chr12-56101398-G-A.
Other names: c.69C>T, p.Leu23= (NM_001144996.2, NM_001374465.1, NM_001410977.1 and 6 more transcripts); c.-1104C>T (NM_001367994.1); c.85+4449C>T (NM_001144997.2); c.-133-4436C>T (NM_001367993.1, NM_001414035.1).
Identifiers: ClinVar variation 309801 (VCV000309801.43), dbSNP rs146932796, ClinGen allele CA6616464.